The following is an entry in ClinVar:

ClinVar aggregate classification (germline): Benign/Likely benign. Review status: criteria provided, multiple submitters, no conflicts (2 of 4 stars). 5 submissions from 5 submitters: Benign (3); Likely benign (1). 1 of the submissions does not count toward it. Last evaluated 2026-01-23.

Conditions:
TRPV3-related disorder. Also called: TRPV3-related condition.
Isolated focal non-epidermolytic palmoplantar keratoderma. Also called: Palmoplantar keratoderma, nonepidermolytic, focal 2. Identifiers: Orphanet 448264, MedGen C4225339, MONDO:0014622, OMIM 616400.
Olmsted syndrome 1. Identifiers: Orphanet 659, MedGen C5542829, MONDO:0100296, OMIM 614594.

Allele frequency attached by ClinVar (database versions not stated): 1000 Genomes Project 0.00319; 1000 Genomes Project 30x 0.00375; TOPMed 0.00796; gnomAD 0.00856 and 0.00898; ExAC 0.00922; ESP Exome Variant Server 0.01038.
gnomAD v4.1: 20,447 of 1,608,462 alleles (1.3%); highest among the groups gnomAD compares: Non-Finnish European, 1.5%; 177 homozygotes.

Submissions (5):

Labcorp Genetics (formerly Invitae), Labcorp
Classification: Benign. Last evaluated: 2026-01-23. Review status: criteria provided, single submitter. Criteria: Invitae Variant Classification Sherloc (09022015). Collection method: clinical testing. Allele origin: germline.

Fulgent Genetics
Classification: Likely benign for Olmsted syndrome 1; Isolated focal non-epidermolytic palmoplantar keratoderma. Last evaluated: 2022-02-03. Review status: criteria provided, single submitter. Criteria: ACMG Guidelines, 2015. Collection method: clinical testing. Allele origin: unknown.

Illumina Laboratory Services, Illumina
Classification: Benign for Isolated focal non-epidermolytic palmoplantar keratoderma. Last evaluated: 2018-01-12. Review status: criteria provided, single submitter. Criteria: ICSL Variant Classification Criteria 13 December 2019. Collection method: clinical testing. Allele origin: germline.
Comment: This variant was observed in the ICSL laboratory as part of a predisposition screen in an ostensibly healthy population. It had not been previously curated by ICSL or reported in the Human Gene Mutation Database (HGMD: prior to June 1st, 2018), and was therefore a candidate for classification through an automated scoring system. Utilizing variant allele frequency, disease prevalence and penetrance estimates, and inheritance mode, an automated score was calculated to assess if this variant is too frequent to cause the disease. Based on the score and internal cut-off values, a variant classified as benign is not then subjected to further curation. The score for this variant resulted in a classification of benign for this disease.

Breakthrough Genomics
Classification: Benign. Review status: criteria provided, single submitter. Criteria: ACMG Guidelines, 2015. Collection method: not provided. Allele origin: germline. Inheritance: Autosomal dominant inheritance. Affected: yes.

PreventionGenetics, part of Exact Sciences
Classification: Benign for TRPV3-related condition. Last evaluated: 2024-01-03. Review status: no assertion criteria provided. Collection method: clinical testing. Allele origin: germline. Not counted in ClinVar's aggregate classification.
Comment: This variant is classified as benign based on ACMG/AMP sequence variant interpretation guidelines (Richards et al. 2015 PMID: 25741868, with internal and published modifications).

NM_145068.4(TRPV3):c.224+8C>T

Gene: TRPV3 (transient receptor potential cation channel subfamily V member 3; minus strand). Cytogenetic location: 17p13.2.
Variant type: single nucleotide variant.
Coding change: c.224+8C>T on transcript NM_145068.4 (MANE Select); 8 bases into the intron after coding-DNA position 224, C replaced by T.
Molecular consequence: intron variant.
Genome position (GRCh38, 1-based): chr17:3,545,159, G>A on the plus strand (C>T on the coding strand, the complement: TRPV3 is on the minus strand). VCF-style: chr17-3545159-G-A. GRCh37 (hg19) VCF-style: chr17-3448453-G-A.
Other names: c.224+8C>T (NM_001258205.2).
Identifiers: ClinVar variation 322796 (VCV000322796.17), dbSNP rs113563330, ClinGen allele CA8289946.